The following is an entry in ClinVar:

ClinVar aggregate classification (germline): Uncertain significance (1 of 4 stars; one submission).

Allele frequency attached by ClinVar (database versions not stated): gnomAD exomes 0.00001 and 0.00004; gnomAD 0.00003 and 0.00004; ExAC 0.00007; TOPMed 0.00009.
gnomAD v4.1: 18 of 1,614,022 alleles (0.0011%); highest among the groups gnomAD compares: African/African-American, 0.011%; no homozygotes.

Submission:

Labcorp Genetics (formerly Invitae), Labcorp
Classification: Uncertain significance. Last evaluated: 2025-07-22. Review status: criteria provided, single submitter. Criteria: Invitae Variant Classification Sherloc (09022015). Collection method: clinical testing. Allele origin: germline.
Comment: This sequence change replaces arginine, which is basic and polar, with histidine, which is basic and polar, at codon 440 of the PRPF4 protein (p.Arg440His). This variant is present in population databases (rs149218074, gnomAD 0.05%). This variant has not been reported in the literature in individuals affected with PRPF4-related conditions. ClinVar contains an entry for this variant (Variation ID: 1001272). An algorithm developed to predict the effect of missense changes on protein structure and function (PolyPhen-2) suggests that this variant is likely to be disruptive. In summary, the available evidence is currently insufficient to determine the role of this variant in disease. Therefore, it has been classified as a Variant of Uncertain Significance.

NM_001244926.2(PRPF4):c.1316G>A (p.Arg439His)

Gene: PRPF4 (pre-mRNA splicing tri-snRNP complex factor PRPF4; plus strand). Cytogenetic location: 9q32.
Variant type: single nucleotide variant.
Coding change: c.1316G>A on transcript NM_001244926.2 (MANE Select); coding-DNA position 1316, G replaced by A.
Protein change: p.Arg439His; replaces arginine 439 with histidine.
Molecular consequence: missense variant. On other transcripts: non-coding transcript variant (2).
Genome position (GRCh38, 1-based): chr9:113,290,960, G>A. VCF-style: chr9-113290960-G-A. GRCh37 (hg19) VCF-style: chr9-116053240-G-A.
Other names: c.590G>A, p.Arg197His (NM_001322266.2, NM_001322267.2); c.1319G>A, p.Arg440His (NM_004697.5); short protein forms R197H, R439H, R440H.
Identifiers: ClinVar variation 1001272 (VCV001001272.8), dbSNP rs149218074, ClinGen allele CA5195151.